The following continues an entry in ClinVar:

NM_000404.4(GLB1):c.75+2dup

ClinVar aggregate classification (germline): Pathogenic. Pathogenic (13).

Submissions 8 to 15 of 15:

GeneDx
Classification: Pathogenic. Last evaluated: 2023-01-15. Review status: criteria provided, single submitter. Criteria: GeneDx Variant Classification Process June 2021. Collection method: clinical testing. Allele origin: germline. Affected: yes.
Comment: Variant results in activation of a cryptic splice donor site and insertion of 20 base pairs of intronic sequence, resulting in a frameshift and protein truncation (Chakraborty et al., 1994; Morrone et al., 1994); In silico analysis supports a deleterious effect on splicing; This variant is associated with the following publications: (PMID: 8199591, 33737400, 21497194, 29352662, 30408610, 25936995, 29160035, 28476546, 31761138, 33942996, 33240792, 33558080, 8198123)

Victorian Clinical Genetics Services, Murdoch Childrens Research Institute
Classification: Pathogenic for Infantile GM1 gangliosidosis. Last evaluated: 2020-06-11. Review status: criteria provided, single submitter. Criteria: ACMG Guidelines, 2015. Collection method: clinical testing. Allele origin: germline. Inheritance: Autosomal recessive inheritance.
Comment: Based on the classification scheme VCGS_Germline_v1.1.1, this variant is classified as pathogenic. Following criteria are met: 0102 - Loss-of-function is a known mechanism of disease for this gene. (N) 0106 - This gene is known to be associated with autosomal recessive disease. (N) 0209 - Splice variant (canonical or non-canonical) proven to affect splicing/expression of the transcript with uncertain effect on protein structure (intron 1 of 15). Functional studies have proven this variant results in two new mRNA transcripts; a frameshift which is predicted to undergo nonsense mediated decay (PMID: 8198123), and the inframe skipping of exon 2 (PMID: 8199591). (P) 0251 - Variant is heterozygous. (N) 0304 - Variant is present in gnomAD v2 <0.01 for a recessive condition (58 heterozygotes, 0 homozygotes). (P) 0505 - Abnormal splicing is predicted by in silico tools. (P) 0801 - Strong previous evidence of pathogenicity in unrelated individuals. This variant has been reported as pathogenic in multiple patients with GM1 gangliosidosis. Homozygous patients, or those in compound heterozygous with a truncating variant, had severe, infantile onset disease. A patient in compound heterozygous with a missense variant had a milder form of disease (ClinVar, PMID: 8198123, PMID: 8199591, PMID: 21497194). (P) 1208 - Inheritance information for this variant is not currently available. (N) Legend: (P) - Pathogenic, (N) - Neutral, (B) - Benign

Women's Health and Genetics/Laboratory Corporation of America, LabCorp
Classification: Pathogenic for Mucopolysaccharidosis, MPS-IV-B. Last evaluated: 2018-05-11. Review status: criteria provided, single submitter. Criteria: LabCorp Variant Classification Summary - May 2015. Collection method: clinical testing. Allele origin: germline.
Comment: Variant summary: GLB1 c.75+2dupT is located in a canonical splice-site and is predicted to affect mRNA splicing resulting in a significantly altered protein due to either exon skipping, shortening, or inclusion of intronic material. Several computational tools predict a significant impact on normal splicing: Five predict the variant abolishes a 5 prime splicing donor site. At least one publication reports experimental evidence that this variant affects mRNA splicing. The variant allele was found at a frequency of 0.00021 in 271704 control chromosomes. This frequency is not significantly higher than expected for a pathogenic variant in GLB1 causing GM1 gangliosidosis (0.00021 vs 0.002), allowing no conclusion about variant significance. c.75+2dupT has been reported in the literature in multiple individuals affected with GM1 gangliosidosis. These data indicate that the variant is very likely to be associated with disease. At least one publication reports experimental evidence evaluating an impact on protein function. The most pronounced variant effect results in <10% of normal activity. One clinical diagnostic laboratory has submitted clinical-significance assessments for this variant to ClinVar after 2014, and classified it as pathogenic. Based on the evidence outlined above, the variant was classified as pathogenic.

Molecular Diagnostics Laboratory, M Health Fairview: University of Minnesota
Classification: Pathogenic for Infantile GM1 gangliosidosis. Last evaluated: 2017-08-29. Review status: criteria provided, single submitter. Criteria: ACMG Guidelines, 2015. Collection method: clinical testing. Allele origin: germline. Affected: yes. Observed: 1 variant allele.

Kasturba Medical College, Manipal, Kasturba Medical College, Manipal, Manipal Academy of Higher Education, Manipal, India
Classification: Pathogenic for Infantile GM1 gangliosidosis. Review status: criteria provided, single submitter. Criteria: ACMG Guidelines, 2015. Collection method: clinical testing. Allele origin: inherited. Affected: yes.

Neuberg Centre For Genomic Medicine, NCGM
Classification: Pathogenic for GM1 gangliosidosis type 2. Review status: criteria provided, single submitter. Criteria: ACMG Guidelines, 2015. Collection method: clinical testing. Allele origin: germline. Inheritance: Autosomal recessive inheritance. Affected: yes.
Comment: The splice site c.75+2dup variant in the GLB1 gene has been reported in a compound heterozygous state in an individual affected with GM1 gangliosidosis (Myers KA. et al., 2018). Experimental studies have shown that this variant disrupts mRNA splicing (Morrone A. et al., 1994). This variant is reported with the allele frequency (0.02%) in the gnomAD and is novel (not in any individuals) in 1000 genome database. It has been submitted to ClinVar as a Pathogenic variant. This variant affects the invariant GT donor splice site. This nucleotide change in GLB1 is predicted to be conserved across species. For these reasons, this variant has been classified as Pathogenic.

OMIM
Classification: Pathogenic for GM1-GANGLIOSIDOSIS, TYPE I. Last evaluated: 1994-06-01. Review status: no assertion criteria provided. Collection method: literature only. Allele origin: germline. Not counted in ClinVar's aggregate classification.

OMIM
Classification: Pathogenic for GM1-GANGLIOSIDOSIS, TYPE III. Last evaluated: 1994-06-01. Review status: no assertion criteria provided. Collection method: literature only. Allele origin: germline. Not counted in ClinVar's aggregate classification.

Literature cited by the submitters: PubMed 8198123 (cited by 6 submitters); PubMed 8199591 (cited by 5 submitters); PubMed 29160035 (cited by Labcorp Genetics (formerly Invitae), Labcorp and Ambry Genetics); PubMed 17576681 (cited by Labcorp Genetics (formerly Invitae), Labcorp); PubMed 9536098 (cited by Labcorp Genetics (formerly Invitae), Labcorp); PubMed 33038107 (cited by Natera, Inc.); PubMed 33737400 (cited by Natera, Inc. and Ambry Genetics); PubMed 21497194 (cited by Victorian Clinical Genetics Services, Murdoch Childrens Research Institute and Women's Health and Genetics/Laboratory Corporation of America, LabCorp).